The following is an entry in ClinVar:

ClinVar aggregate classification (germline): Uncertain significance (1 of 4 stars; one submission).

Submission:

Labcorp Genetics (formerly Invitae), Labcorp
Classification: Uncertain significance. Last evaluated: 2021-08-18. Review status: criteria provided, single submitter. Criteria: Invitae Variant Classification Sherloc (09022015). Collection method: clinical testing. Allele origin: germline.
Comment: This sequence change replaces leucine with proline at codon 11 of the DTHD1 protein (p.Leu11Pro). The leucine residue is moderately conserved and there is a moderate physicochemical difference between leucine and proline. This variant is not present in population databases (ExAC no frequency). This variant has not been reported in the literature in individuals affected with DTHD1-related conditions. Algorithms developed to predict the effect of missense changes on protein structure and function output the following: SIFT: "Tolerated"; PolyPhen-2: "Benign"; Align-GVGD: "Class C0". The proline amino acid residue is found in multiple mammalian species, which suggests that this missense change does not adversely affect protein function. In summary, the available evidence is currently insufficient to determine the role of this variant in disease. Therefore, it has been classified as a Variant of Uncertain Significance.

NM_001170700.3(DTHD1):c.902T>C (p.Leu301Pro)

Gene: DTHD1 (death domain containing 1; plus strand). Cytogenetic location: 4p14.
Variant type: single nucleotide variant.
Coding change: c.902T>C on transcript NM_001170700.3 (MANE Select); coding-DNA position 902, T replaced by C.
Protein change: p.Leu301Pro; replaces leucine 301 with proline.
Molecular consequence: missense variant. On other transcripts: non-coding transcript variant (2).
Genome position (GRCh38, 1-based): chr4:36,290,387, T>C. VCF-style: chr4-36290387-T-C. GRCh37 (hg19) VCF-style: chr4-36292009-T-C.
Other names: c.32T>C, p.Leu11Pro (NM_001136536.5, NM_001378435.1); short protein forms L11P, L301P.
Identifiers: ClinVar variation 1433865 (VCV001433865.6), dbSNP rs187188942, ClinGen allele CA356678599.
Genomic context (GRCh38, chr4:36,290,387, plus strand): 5'-CATAAATCAAATAATTGGAAAAATGACATTCTTTTTCCCCCTCCAGGTATCTTGATGTGC[T>C]GAGTGATGTTACTGGCCCCCAAGTGTCTTGTTATATTACAGCACCATCATATGTTCTACA-3'
Protein context (NP_001164171.2, residues 291-311): NIMEKEYLDV[Leu301Pro]SDVTGPQVSC